The following is an entry in ClinVar:

NM_004415.4(DSP):c.4324C>T (p.Gln1442Ter)

Gene: DSP (desmoplakin; plus strand). Cytogenetic location: 6p24.3.
Variant type: single nucleotide variant.
Coding change: c.4324C>T on transcript NM_004415.4 (MANE Select); coding-DNA position 4324, C replaced by T.
Protein change: p.Gln1442Ter; replaces glutamine 1442 with a stop codon.
Molecular consequence: nonsense. On other transcripts: intron variant (2).
Genome position (GRCh38, 1-based): chr6:7,580,514, C>T. VCF-style: chr6-7580514-C-T. GRCh37 (hg19) VCF-style: chr6-7580747-C-T.
Other names: c.4050+274C>T (NM_001319034.2); c.3582+742C>T (NM_001008844.3); short protein forms Q1442*.
Identifiers: ClinVar variation 3755498 (VCV003755498.2).

ClinVar aggregate classification (germline): Pathogenic (1 of 4 stars; one submission).

Conditions:
Arrhythmogenic right ventricular dysplasia 8 (ARVD8). Also called: Arrhythmogenic Right Ventricular Dysplasia/Cardiomyopathy 8; ARRHYTHMOGENIC RIGHT VENTRICULAR DYSPLASIA, FAMILIAL, 8; ARRHYTHMOGENIC RIGHT VENTRICULAR CARDIOMYOPATHY 8. Identifiers: MedGen C1843896, MONDO:0011831, OMIM 607450.
Arrhythmogenic cardiomyopathy with wooly hair and keratoderma. Also called: PALMOPLANTAR KERATODERMA WITH LEFT VENTRICULAR CARDIOMYOPATHY AND WOOLLY HAIR; Carvajal syndrome; Dilated cardiomyopathy with woolly hair and keratoderma; Arrhythmogenic cardiomyopathy with woolly hair and keratoderma. Identifiers: Orphanet 65282, MedGen C1854063, MONDO:0011581, OMIM 605676.

Submission:

Labcorp Genetics (formerly Invitae), Labcorp
Classification: Pathogenic for Arrhythmogenic cardiomyopathy with wooly hair and keratoderma; Arrhythmogenic right ventricular dysplasia 8. Last evaluated: 2024-08-07. Review status: criteria provided, single submitter. Criteria: Invitae Variant Classification Sherloc (09022015). Collection method: clinical testing. Allele origin: germline.
Comment: This sequence change creates a premature translational stop signal (p.Gln1442*) in the DSP gene. It is expected to result in an absent or disrupted protein product. Loss-of-function variants in DSP are known to be pathogenic (PMID: 20716751, 24503780, 25227139). This variant is not present in population databases (gnomAD no frequency). This variant has not been reported in the literature in individuals affected with DSP-related conditions. For these reasons, this variant has been classified as Pathogenic.

Literature cited by the submitters: PubMed 20716751; PubMed 24503780; PubMed 25227139.